The following is an entry in ClinVar:

NM_013275.6(ANKRD11):c.7799G>A (p.Arg2600His)

Gene: ANKRD11 (ankyrin repeat domain containing 11; minus strand). Cytogenetic location: 16q24.3.
Variant type: single nucleotide variant.
Coding change: c.7799G>A on transcript NM_013275.6 (MANE Select); coding-DNA position 7799, G replaced by A.
Protein change: p.Arg2600His; replaces arginine 2600 with histidine.
Molecular consequence: missense variant.
Genome position (GRCh38, 1-based): chr16:89,270,824, C>T on the plus strand (G>A on the coding strand, the complement: ANKRD11 is on the minus strand). VCF-style: chr16-89270824-C-T. GRCh37 (hg19) VCF-style: chr16-89337232-C-T.
Other names: c.7799G>A, p.Arg2600His (NM_001256182.2, NM_001256183.2); short protein forms R2600H.
Identifiers: ClinVar variation 589781 (VCV000589781.5), dbSNP rs1354874973, ClinGen allele CA397146335.

ClinVar aggregate classification (germline): Uncertain significance (1 of 4 stars; one submission).

Conditions:
Inborn genetic diseases. Identifiers: MedGen C0950123, MeSH D030342.

Allele frequency attached by ClinVar (database versions not stated): gnomAD 0.00001; gnomAD exomes 0.00001; TOPMed 0.00001.
gnomAD v4.1: 9 of 1,613,648 alleles (0.00056%); highest among the groups gnomAD compares: Non-Finnish European, 0.00068%; no homozygotes.

Submission:

Ambry Genetics
Classification: Uncertain significance for Inborn genetic diseases. Last evaluated: 2017-05-24. Review status: criteria provided, single submitter. Criteria: Ambry Variant Classification Scheme 2023. Collection method: clinical testing. Allele origin: germline.
Comment: The p.R2600H variant (also known as c.7799G>A), located in coding exon 10 of the ANKRD11 gene, results from a G to A substitution at nucleotide position 7799. The arginine at codon 2600 is replaced by histidine, an amino acid with highly similar properties. This amino acid position is well conserved in available vertebrate species. In addition, this alteration is predicted to be tolerated by in silico analysis. Since supporting evidence is limited at this time, the clinical significance of this alteration remains unclear.